The following is an entry in ClinVar:

ClinVar aggregate classification (germline): Uncertain significance (1 of 4 stars; one submission).

Allele frequency attached by ClinVar (database versions not stated): gnomAD exomes 0.00001; TOPMed 0.00002.
gnomAD v4.1: 7 of 1,613,904 alleles (0.00043%); highest among the groups gnomAD compares: Admixed American, 0.01%; no homozygotes.

Submission:

Labcorp Genetics (formerly Invitae), Labcorp
Classification: Uncertain significance. Last evaluated: 2022-07-12. Review status: criteria provided, single submitter. Criteria: Invitae Variant Classification Sherloc (09022015). Collection method: clinical testing. Allele origin: germline.
Comment: This sequence change replaces phenylalanine, which is neutral and non-polar, with serine, which is neutral and polar, at codon 816 of the PCDH12 protein (p.Phe816Ser). This variant is present in population databases (no rsID available, gnomAD 0.02%). This variant has not been reported in the literature in individuals affected with PCDH12-related conditions. Advanced modeling of protein sequence and biophysical properties (such as structural, functional, and spatial information, amino acid conservation, physicochemical variation, residue mobility, and thermodynamic stability) performed at Invitae indicates that this missense variant is not expected to disrupt PCDH12 protein function. In summary, the available evidence is currently insufficient to determine the role of this variant in disease. Therefore, it has been classified as a Variant of Uncertain Significance.

NM_016580.4(PCDH12):c.2447T>C (p.Phe816Ser)

Genes: PCDH12 (protocadherin 12; minus strand), RNF14 (ring finger protein 14; plus strand). Cytogenetic location: 5q31.3.
Variant type: single nucleotide variant.
Coding change: c.2447T>C on transcript NM_016580.4 (MANE Select); coding-DNA position 2447, T replaced by C.
Protein change: p.Phe816Ser; replaces phenylalanine 816 with serine.
Molecular consequence: missense variant.
Genome position (GRCh38, 1-based): chr5:141,955,405, A>G on the plus strand (T>C on the coding strand, the complement: PCDH12 is on the minus strand). VCF-style: chr5-141955405-A-G. GRCh37 (hg19) VCF-style: chr5-141334970-A-G.
Other names: short protein forms F816S.
Identifiers: ClinVar variation 1933336 (VCV001933336.2), dbSNP rs938941951, ClinGen allele CA128479403.
Genomic context (GRCh38, chr5:141,955,405, plus strand): 5'-GCCGGTGCTCCCTGGTTGCCTTGATTACGCAGCGTCCTGTACAGGGTCGGGGTGAGGTGG[A>G]AGGGGGCCTGCAGGCAGGGGTCCCAGCCTGCTTCCATCATCGCCTCCTTGTCCACATCTT-3'
Protein context (NP_057664.1, residues 806-826): AGWDPCLQAP[Phe816Ser]HLTPTLYRTL